The following is an entry in ClinVar:

ClinVar aggregate classification (germline): Uncertain significance (1 of 4 stars; one submission).

Conditions:
Inborn genetic diseases. Identifiers: MedGen C0950123, MeSH D030342.

Submission:

Ambry Genetics
Classification: Uncertain significance for Inborn genetic diseases. Last evaluated: 2025-10-09. Review status: criteria provided, single submitter. Criteria: Ambry Variant Classification Scheme 2023. Collection method: clinical testing. Allele origin: germline.
Comment: The c.2249_2256delGTACCCCT (p.C750*) alteration, located in exon 20 (coding exon 20) of the DOT1L gene, consists of a deletion of 8 nucleotides from position 2249 to 2256, causing a translational frameshift with a predicted alternate stop codon at amino acid position 750. This alteration is expected to result in premature protein truncation or nonsense-mediated mRNA decay. However, loss of function of DOT1L has not been established as a mechanism of disease. This variant was not reported in population-based cohorts in the Genome Aggregation Database (gnomAD). Based on insufficient or conflicting evidence, the clinical significance of this alteration remains unclear.

NM_032482.3(DOT1L):c.2249_2256del (p.Pro749_Cys750insTer)

Gene: DOT1L (DOT1 like histone lysine methyltransferase; plus strand). Cytogenetic location: 19p13.3.
Variant type: Deletion.
Coding change: c.2249_2256del on transcript NM_032482.3 (MANE Select); coding-DNA positions 2249 to 2256, 8 bases deleted (GTACCCCT; older notation c.2249_2256delGTACCCCT).
Protein change: p.Pro749_Cys750insTer.
Molecular consequence: nonsense.
Genome position (GRCh38, 1-based): chr19:2,216,606-2,216,613, GTACCCCT deleted; deleting any 8 consecutive bases within chr19:2,216,602-2,216,613 gives the same sequence; the c. name uses the placement nearest the transcript's 3' end. VCF-style (leftmost placement, unchanged base first): chr19-2216601-GCCCTGTAC-G. GRCh37 (hg19) VCF-style: chr19-2216600-GCCCTGTAC-G.
Other names: c.2249_2256del, p.Pro749_Cys750insTer (NM_001411141.1).
Identifiers: ClinVar variation 4617902 (VCV004617902.1).